The following is an entry in ClinVar:

NM_001355436.2(SPTB):c.4787_4819del (p.Ala1596_Tyr1606del)

Gene: SPTB (spectrin beta, erythrocytic; minus strand). Cytogenetic location: 14q23.3.
Variant type: Deletion.
Coding change: c.4787_4819del on transcript NM_001355436.2 (MANE Select); coding-DNA positions 4787 to 4819, 33 bases deleted.
Protein change: p.Ala1596_Tyr1606del.
Genome position (GRCh38, 1-based): chr14:64,775,148-64,775,180, 33 bases deleted; deleting any 33 consecutive bases within chr14:64,775,148-64,775,181 gives the same sequence; the c. name uses the placement nearest the transcript's 3' end. GRCh37 (hg19): chr14:65,241,867-65,241,899.
Other names: c.4787_4819del, p.Ala1596_Tyr1606del (NM_001024858.4, NM_001355437.2).
Identifiers: ClinVar variation 3657813 (VCV003657813.2).

ClinVar aggregate classification (germline): Uncertain significance (1 of 4 stars; one submission).

Submission:

Labcorp Genetics (formerly Invitae), Labcorp
Classification: Uncertain significance. Last evaluated: 2024-06-25. Review status: criteria provided, single submitter. Criteria: Invitae Variant Classification Sherloc (09022015). Collection method: clinical testing. Allele origin: germline.
Comment: This variant, c.4787_4819del, results in the deletion of 11 amino acid(s) of the SPTB protein (p.Ala1596_Tyr1606del), but otherwise preserves the integrity of the reading frame. This variant is not present in population databases (gnomAD no frequency). This variant has not been reported in the literature in individuals affected with SPTB-related conditions. Experimental studies and prediction algorithms are not available or were not evaluated, and the functional significance of this variant is currently unknown. In summary, the available evidence is currently insufficient to determine the role of this variant in disease. Therefore, it has been classified as a Variant of Uncertain Significance.